The following is an entry in ClinVar:

NM_004281.4(BAG3):c.1379A>G (p.Lys460Arg)

Gene: BAG3 (BAG cochaperone 3; plus strand). Cytogenetic location: 10q26.11.
Variant type: single nucleotide variant.
Coding change: c.1379A>G on transcript NM_004281.4 (MANE Select); coding-DNA position 1379, A replaced by G.
Protein change: p.Lys460Arg; replaces lysine 460 with arginine.
Molecular consequence: missense variant.
Genome position (GRCh38, 1-based): chr10:119,676,933, A>G. VCF-style: chr10-119676933-A-G. GRCh37 (hg19) VCF-style: chr10-121436445-A-G.
Other names: short protein forms K460R.
Identifiers: ClinVar variation 2953546 (VCV002953546.3), dbSNP rs1847246309, ClinGen allele CA378297202.

ClinVar aggregate classification (germline): Uncertain significance (1 of 4 stars; one submission).

Conditions:
Dilated cardiomyopathy 1HH (CMD1HH). Identifiers: Orphanet 154, MedGen C3151293, MONDO:0013479, OMIM 613881.
Myofibrillar myopathy 6. Identifiers: Orphanet 199340, MedGen C2751831, MONDO:0013061, OMIM 612954.

Allele frequency attached by ClinVar (database versions not stated): TOPMed below 0.00001.

Submission:

Labcorp Genetics (formerly Invitae), Labcorp
Classification: Uncertain significance for Dilated cardiomyopathy 1HH; Myofibrillar myopathy 6. Last evaluated: 2023-11-04. Review status: criteria provided, single submitter. Criteria: Invitae Variant Classification Sherloc (09022015). Collection method: clinical testing. Allele origin: germline.
Comment: This sequence change replaces lysine, which is basic and polar, with arginine, which is basic and polar, at codon 460 of the BAG3 protein (p.Lys460Arg). This variant is not present in population databases (gnomAD no frequency). This variant has not been reported in the literature in individuals affected with BAG3-related conditions. Advanced modeling of protein sequence and biophysical properties (such as structural, functional, and spatial information, amino acid conservation, physicochemical variation, residue mobility, and thermodynamic stability) performed at Invitae indicates that this missense variant is not expected to disrupt BAG3 protein function with a negative predictive value of 80%. In summary, the available evidence is currently insufficient to determine the role of this variant in disease. Therefore, it has been classified as a Variant of Uncertain Significance.